The following is an entry in ClinVar:

ClinVar aggregate classification (germline): Likely benign. Review status: criteria provided, multiple submitters, no conflicts (2 of 4 stars). 2 submissions from 2 submitters: Likely benign (2). Last evaluated 2026-08-01.

Allele frequency attached by ClinVar (database versions not stated): 1000 Genomes Project 30x 0.00016; ESP Exome Variant Server 0.00025; ExAC 0.00032; gnomAD 0.00032; gnomAD exomes 0.00036 and 0.00042; TOPMed 0.00036.
gnomAD v4.1: 654 of 1,614,002 alleles (0.041%); highest among the groups gnomAD compares: Middle Eastern, 0.099%; no homozygotes.

Submissions (2):

CeGaT Center for Human Genetics Tuebingen
Classification: Likely benign. Last evaluated: 2026-08-01. Review status: criteria provided, single submitter. Criteria: CeGaT Center For Human Genetics Tuebingen Variant Classification Criteria Version 2. Collection method: clinical testing. Allele origin: germline. Affected: yes. Observed: 2 variant alleles.
Comment: DOCK4: BP4, BS2

Labcorp Genetics (formerly Invitae), Labcorp
Classification: Likely benign. Last evaluated: 2018-06-08. Review status: criteria provided, single submitter. Criteria: Invitae Variant Classification Sherloc (09022015). Collection method: clinical testing. Allele origin: germline.

NM_001363540.2(DOCK4):c.4215G>A (p.Gln1405=)

Genes: DOCK4 (dedicator of cytokinesis 4; minus strand), LOC126860152 (BRD4-independent group 4 enhancer GRCh37_chr7:111397974-111399173; plus strand). Cytogenetic location: 7q31.1.
Variant type: single nucleotide variant.
Coding change: c.4215G>A on transcript NM_001363540.2 (MANE Select); coding-DNA position 4215, G replaced by A.
Protein change: p.Gln1405=; no amino-acid change (glutamine 1405 retained).
Molecular consequence: synonymous variant.
Genome position (GRCh38, 1-based): chr7:111,758,738, C>T on the plus strand (G>A on the coding strand, the complement: DOCK4 is on the minus strand). VCF-style: chr7-111758738-C-T. GRCh37 (hg19) VCF-style: chr7-111398794-C-T.
Other names: c.4188G>A, p.Gln1396= (NM_014705.4).
Identifiers: ClinVar variation 726093 (VCV000726093.13), dbSNP rs370815463, ClinGen allele CA4441662.